The following is an entry in ClinVar:

ClinVar aggregate classification (germline): Pathogenic (1 of 4 stars; one submission).

Conditions:
Rare genetic deafness. Identifiers: Orphanet 96210, MedGen C5680250.

Submission:

Laboratory for Molecular Medicine, Mass General Brigham Personalized Medicine
Classification: Pathogenic for Rare genetic deafness. Last evaluated: 2012-04-24. Review status: criteria provided, single submitter. Criteria: LMM Criteria. Collection method: clinical testing. Allele origin: germline. Inheritance: Autosomal recessive inheritance. Observed: 2 variant alleles.
Comment: The Glu2459GlyfsX35 variant in GPR98 has not been reported in the literature nor previously identified by our laboratory. This frameshift variant is predicted t o alter the protein?s amino acid sequence beginning at position 2459 and lead to a premature termination codon 35 amino acids downstream. This alteration is the n predicted to lead to a truncated or absent protein. In summary, this variant m eets our criteria to be classified as pathogenic .

NM_032119.4(ADGRV1):c.7374_7375del (p.Glu2459fs)

Gene: ADGRV1 (adhesion G protein-coupled receptor V1; plus strand). Cytogenetic location: 5q14.3.
Variant type: Deletion.
Coding change: c.7374_7375del on transcript NM_032119.4 (MANE Select); coding-DNA positions 7374 to 7375, 2 bases deleted (TG; older notation c.7374_7375delTG).
Protein change: p.Glu2459fs; shifts the reading frame from glutamic acid 2459.
Molecular consequence: frameshift variant. On other transcripts: non-coding transcript variant (1).
Genome position (GRCh38, 1-based): chr5:90,694,130-90,694,131, TG deleted. VCF-style (leftmost placement, unchanged base first): chr5-90694129-CTG-C. GRCh37 (hg19) VCF-style: chr5-89989946-CTG-C.
Other names: short protein forms E2459fs.
Identifiers: ClinVar variation 46370 (VCV000046370.4), dbSNP rs397517435, ClinGen allele CA261838.